The following is an entry in ClinVar:

NM_006892.4(DNMT3B):c.1996+2T>A

Gene: DNMT3B (DNA methyltransferase 3 beta; plus strand). Cytogenetic location: 20q11.21.
Variant type: single nucleotide variant.
Coding change: c.1996+2T>A on transcript NM_006892.4 (MANE Select); the canonical splice donor site of the intron after coding-DNA position 1996, T replaced by A.
Molecular consequence: splice donor variant.
Genome position (GRCh38, 1-based): chr20:32,800,927, T>A. VCF-style: chr20-32800927-T-A. GRCh37 (hg19) VCF-style: chr20-31388733-T-A.
Other names: c.1996+2T>A (NM_001424351.1, NM_001424355.1); c.1936+2T>A (NM_175848.2, NM_001424353.1, NM_175849.2); c.1870+2T>A (NM_001424352.1, NM_001424356.1, NM_001424358.1); c.1810+2T>A (NM_001424354.1, NM_001424357.1, NM_001207055.2); c.1708+2T>A (NM_001207056.2); c.1972+2T>A (NM_175850.3, NM_001424359.1); c.1846+2T>A (NM_001424360.1).
Identifiers: ClinVar variation 2765379 (VCV002765379.3), dbSNP rs2515644807, ClinGen allele CA408589050.

ClinVar aggregate classification (germline): Likely pathogenic (1 of 4 stars; one submission).

Conditions:
Centromeric instability of chromosomes 1,9 and 16 and immunodeficiency (ICF1). Also called: IMMUNE DEFICIENCY, VARIABLE, WITH CENTROMERIC INSTABILITY OF CHROMOSOMES 1, 9, AND 16; IMMUNODEFICIENCY SYNDROME, VARIABLE; Immunodeficiency-centromeric instability-facial anomalies; CENTROMERIC INSTABILITY, IMMUNODEFICIENCY SYNDROME. Identifiers: Orphanet 2268, MedGen C0398788, MONDO:0000133.

Submission:

Labcorp Genetics (formerly Invitae), Labcorp
Classification: Likely pathogenic for Centromeric instability of chromosomes 1,9 and 16 and immunodeficiency. Last evaluated: 2023-10-04. Review status: criteria provided, single submitter. Criteria: Invitae Variant Classification Sherloc (09022015). Collection method: clinical testing. Allele origin: germline.
Comment: This sequence change affects a donor splice site in intron 18 of the DNMT3B gene. It is expected to disrupt RNA splicing. Variants that disrupt the donor or acceptor splice site typically lead to a loss of protein function (PMID: 16199547), and loss-of-function variants in DNMT3B are known to be pathogenic (PMID: 11102980). This variant is not present in population databases (gnomAD no frequency). This variant has not been reported in the literature in individuals affected with DNMT3B-related conditions. Algorithms developed to predict the effect of sequence changes on RNA splicing suggest that this variant may disrupt the consensus splice site. In summary, the currently available evidence indicates that the variant is pathogenic, but additional data are needed to prove that conclusively. Therefore, this variant has been classified as Likely Pathogenic.

Literature cited by the submitters: PubMed 16199547; PubMed 11102980.